The following is an entry in ClinVar:

ClinVar aggregate classification (germline): Conflicting classifications of pathogenicity. Review status: criteria provided, conflicting classifications (1 of 4 stars). 4 submissions from 4 submitters: Uncertain significance (1); Benign (1); Likely benign (1). 1 of the submissions does not count toward it. Last evaluated 2026-06-01.

Conditions:
Plasma factor XI deficiency.
Hereditary factor XI deficiency disease. Also called: PLASMA THROMBOPLASTIN ANTECEDENT DEFICIENCY; PTA DEFICIENCY; ROSENTHAL SYNDROME; Congenital factor XI deficiency. Identifiers: Orphanet 329, MedGen C0015523, MeSH D005173, MONDO:0012897, OMIM 612416.

Allele frequency attached by ClinVar (database versions not stated): gnomAD exomes 0.00017 and 0.00028; ExAC 0.00032; gnomAD 0.00093 and 0.00100; TOPMed 0.00099; ESP Exome Variant Server 0.00108; 1000 Genomes Project 30x 0.00156; 1000 Genomes Project 0.00160.
gnomAD v4.1: 388 of 1,614,196 alleles (0.024%); highest among the groups gnomAD compares: African/African-American, 0.29%; 1 homozygote.

Submissions (4):

CeGaT Center for Human Genetics Tuebingen
Classification: Likely benign. Last evaluated: 2026-06-01. Review status: criteria provided, single submitter. Criteria: CeGaT Center For Human Genetics Tuebingen Variant Classification Criteria Version 2. Collection method: clinical testing. Allele origin: germline. Affected: yes. Observed: 1 variant allele.
Comment: F11: BP4, BP7

Labcorp Genetics (formerly Invitae), Labcorp
Classification: Benign. Last evaluated: 2026-01-20. Review status: criteria provided, single submitter. Criteria: Invitae Variant Classification Sherloc (09022015). Collection method: clinical testing. Allele origin: germline.

Illumina Laboratory Services, Illumina
Classification: Uncertain significance for Hereditary factor XI deficiency disease. Last evaluated: 2018-01-12. Review status: criteria provided, single submitter. Criteria: ICSL Variant Classification Criteria 13 December 2019. Collection method: clinical testing. Allele origin: germline.

Natera, Inc.
Classification: Likely benign for Plasma factor XI deficiency. Last evaluated: 2019-10-23. Review status: no assertion criteria provided. Collection method: clinical testing. Allele origin: germline. Not counted in ClinVar's aggregate classification.

NM_000128.4(F11):c.1020C>T (p.Asn340=)

Gene: F11 (coagulation factor XI; plus strand). Cytogenetic location: 4q35.2.
Variant type: single nucleotide variant.
Coding change: c.1020C>T on transcript NM_000128.4 (MANE Select); coding-DNA position 1020, C replaced by T.
Protein change: p.Asn340=; no amino-acid change (asparagine 340 retained).
Molecular consequence: synonymous variant.
Genome position (GRCh38, 1-based): chr4:186,280,377, C>T. VCF-style: chr4-186280377-C-T. GRCh37 (hg19) VCF-style: chr4-187201531-C-T.
Identifiers: ClinVar variation 781735 (VCV000781735.17), dbSNP rs149052026, ClinGen allele CA3163837.